The following is an entry in ClinVar:

NM_003998.4(NFKB1):c.928-2A>G

Gene: NFKB1 (nuclear factor kappa B subunit 1; plus strand). Cytogenetic location: 4q24.
Variant type: single nucleotide variant.
Coding change: c.928-2A>G on transcript NM_003998.4 (MANE Select); the canonical splice acceptor site of the intron before coding-DNA position 928, A replaced by G.
Molecular consequence: splice acceptor variant.
Genome position (GRCh38, 1-based): chr4:102,584,680, A>G. VCF-style: chr4-102584680-A-G. GRCh37 (hg19) VCF-style: chr4-103505837-A-G.
Other names: c.928-2A>G (NM_001382626.1, NM_001382625.1); c.925-2A>G (NM_001382627.1, NM_001165412.2, NM_001319226.2); c.886-2A>G (NM_001382628.1).
Identifiers: ClinVar variation 2047395 (VCV002047395.4), dbSNP rs2476446836, ClinGen allele CA357960764.

ClinVar aggregate classification (germline): Likely pathogenic (1 of 4 stars; one submission).

Submission:

Labcorp Genetics (formerly Invitae), Labcorp
Classification: Likely pathogenic. Last evaluated: 2023-04-27. Review status: criteria provided, single submitter. Criteria: Invitae Variant Classification Sherloc (09022015). Collection method: clinical testing. Allele origin: germline.
Comment: This sequence change affects an acceptor splice site in intron 10 of the NFKB1 gene. It is expected to disrupt RNA splicing. Variants that disrupt the donor or acceptor splice site typically lead to a loss of protein function (PMID: 16199547), and loss-of-function variants in NFKB1 are known to be pathogenic (PMID: 26279205, 29477724). This variant is not present in population databases (gnomAD no frequency). Disruption of this splice site has been observed in individual(s) with common variable immunodeficiency (PMID: 34473196). ClinVar contains an entry for this variant (Variation ID: 2047395). Algorithms developed to predict the effect of sequence changes on RNA splicing suggest that this variant may disrupt the consensus splice site. In summary, the currently available evidence indicates that the variant is pathogenic, but additional data are needed to prove that conclusively. Therefore, this variant has been classified as Likely Pathogenic.

Literature cited by the submitters: PubMed 16199547; PubMed 26279205; PubMed 29477724; PubMed 34473196.